The following is an entry in ClinVar:

NM_000124.4(ERCC6):c.2551T>A (p.Trp851Arg)

Gene: ERCC6 (ERCC excision repair 6, chromatin remodeling factor; minus strand). Cytogenetic location: 10q11.23.
Variant type: single nucleotide variant.
Coding change: c.2551T>A on transcript NM_000124.4 (MANE Select); coding-DNA position 2551, T replaced by A.
Protein change: p.Trp851Arg; replaces tryptophan 851 with arginine.
Molecular consequence: missense variant.
Genome position (GRCh38, 1-based): chr10:49,474,074, A>T on the plus strand (T>A on the coding strand, the complement: ERCC6 is on the minus strand). VCF-style: chr10-49474074-A-T. GRCh37 (hg19) VCF-style: chr10-50682120-A-T.
Other names: c.2551T>A, p.Trp851Arg (NM_001346440.2); short protein forms W851R.
Identifiers: ClinVar variation 522698 (VCV000522698.15), dbSNP rs368728467, ClinGen allele CA376721328.
Genomic context (GRCh38, chr10:49,474,074, plus strand): 5'-TCTGTGCACTCACCTGCCTTGACTGAGAAAACAGCAATACTCGCTGACCCTGCTTGTGCC[A>T]TATTTTCAACAAAGACTCAACAACAATCATTTTCCCAGAACGTTTCCAGTACCCAAACTG-3'
Protein context (NP_000115.1, residues 841-861): MIVVESLLKI[Trp851Arg]HKQGQRVLLF

ClinVar aggregate classification (germline): Pathogenic. Review status: criteria provided, multiple submitters, no conflicts (2 of 4 stars). 7 submissions from 7 submitters: Pathogenic (7). Last evaluated 2024-07-31.

Conditions:
Lung cancer. Also called: Malignant tumor of lung; Lung cancer, somatic. Identifiers: MedGen C0242379, MONDO:0008903, OMIM 211980.
DE SANCTIS-CACCHIONE SYNDROME. Identifiers: MedGen C0265201, MONDO:0010217, OMIM 278800.
Age related macular degeneration 5. Identifiers: MedGen C3151063, MONDO:0013409, OMIM 613761.
Cerebrooculofacioskeletal syndrome 1 (COFS1). Also called: Cerebro-oculo-facio-skeletal syndrome 1. Identifiers: MedGen C0220722, MONDO:0008955, OMIM 214150.
Cockayne syndrome type 2 (CSB). Also called: Cockayne Syndrome, Type II; COCKAYNE SYNDROME B. Identifiers: Orphanet 191, Orphanet 90322, MedGen C0751038, MONDO:0019570, OMIM 133540.
UV-sensitive syndrome 1 (UVSS1). Identifiers: Orphanet 178338, MedGen C3551173, MONDO:0010909, OMIM 600630.
Premature ovarian failure 11 (POF11). Identifiers: MedGen C4310783, MONDO:0014843, OMIM 616946.

Submissions (7):

3billion
Classification: Pathogenic for Cockayne syndrome type 2. Last evaluated: 2024-07-31. Review status: criteria provided, single submitter. Criteria: ACMG Guidelines, 2015. Collection method: clinical testing. Allele origin: germline. Affected: yes.
Comment: The variant is not observed in the gnomAD v4.0.0 dataset. Predicted Consequence/Location: The majority of the known disease-causing variants of this gene are variants expected to result in premature termination of the protein. Functional studies provide moderate evidence of the variant having a damaging effect on the gene or gene product (PMID: 9443879). In silico tool predictions suggest damaging effect of the variant on gene or gene product [REVEL: 0.83 (>=0.6, sensitivity 0.68 and specificity 0.92)]. The same nucleotide change resulting in the same amino acid change has been previously reported as pathogenic/likely pathogenic with strong evidence (ClinVar ID: VCV000522698 /PMID: 9443879). The variant has been reported to be in trans with a pathogenic variant as either compound heterozygous or homozygous in at least one similarly affected unrelated individual (PMID: 29572252). Therefore, this variant is classified as Pathogenic according to the recommendation of ACMG/AMP guideline.

Department of Animal Biology, Molecular and Human Genetics Lab, University of Tabriz
Classification: Pathogenic for Cockayne syndrome type 2. Last evaluated: 2024-04-02. Review status: criteria provided, single submitter. Criteria: ACMG Guidelines, 2015. Collection method: clinical testing. Allele origin: germline. Inheritance: Autosomal recessive inheritance. Affected: yes. Observed: 1 homozygote.
Comment: The study of the W851R mutation in the ERCC6 gene is central to understanding the complex pathophysiological processes associated with Cockayne Syndrome (CS). While this variant has been noted in earlier research, its specific impact on the structural integrity of the ERCC6 protein and subsequent changes in its ATPase activity have not been thoroughly examined until now. Our research represents the initial effort to fully analyze the severe consequences of this missense mutation, which appears deceptively benign. Previous studies (Mallery 1998, Laugel 2010, Batenburg 2015) have highlighted the profound negative effects of the W851R mutation on ERCC6 functionality. It has been demonstrated that this mutation results in an ERCC6 protein that lacks DNA-dependent ATPase activity, leading to a disruption in chromatin remodeling and hindering essential repair processes. These findings align with our molecular dynamic simulations, which indicate compromised ATPase and DNA binding functions of the protein.

Fulgent Genetics
Classification: Pathogenic for Cockayne syndrome type 2; Lung cancer; Cerebrooculofacioskeletal syndrome 1; DE SANCTIS-CACCHIONE SYNDROME; UV-sensitive syndrome 1; Age related macular degeneration 5; Premature ovarian failure 11. Last evaluated: 2024-01-11. Review status: criteria provided, single submitter. Criteria: ACMG Guidelines, 2015. Collection method: clinical testing. Allele origin: germline.

Labcorp Genetics (formerly Invitae), Labcorp
Classification: Pathogenic. Last evaluated: 2021-10-28. Review status: criteria provided, single submitter. Criteria: Invitae Variant Classification Sherloc (09022015). Collection method: clinical testing. Allele origin: germline.
Comment: ClinVar contains an entry for this variant (Variation ID: 522698). Advanced modeling of protein sequence and biophysical properties (such as structural, functional, and spatial information, amino acid conservation, physicochemical variation, residue mobility, and thermodynamic stability) performed at Invitae indicates that this missense variant is expected to disrupt ERCC6 protein function. Experimental studies have shown that this missense change affects ERCC6 function (PMID: 9443879). For these reasons, this variant has been classified as Pathogenic. This variant is also known as T2630A. This sequence change replaces tryptophan, which is neutral and slightly polar, with arginine, which is basic and polar, at codon 851 of the ERCC6 protein (p.Trp851Arg). This variant is not present in population databases (gnomAD no frequency). This missense change has been observed in individuals with Cockayne syndrome (PMID: 9443879, 29572252, 32557569).

Institute of Human Genetics, University of Leipzig Medical Center
Classification: Pathogenic for Cockayne syndrome type 2. Last evaluated: 2018-11-14. Review status: criteria provided, single submitter. Criteria: ACMG Guidelines, 2015. Collection method: clinical testing. Allele origin: germline. Affected: yes. Observed: 2 variant alleles.

Genomic Research Center, Shahid Beheshti University of Medical Sciences
Classification: Pathogenic for Cockayne syndrome type 2. Last evaluated: 2017-12-18. Review status: criteria provided, single submitter. Criteria: ACMG Guidelines, 2015. Collection method: clinical testing. Allele origin: inherited. Affected: yes.

Kariminejad - Najmabadi Pathology & Genetics Center
Classification: Pathogenic for Cockayne syndrome type 2. Review status: criteria provided, single submitter. Criteria: ACMG Guidelines, 2015. Collection method: clinical testing. Allele origin: germline. Affected: no.

Literature cited by the submitters: PubMed 9443879 (cited by 3billion and Labcorp Genetics (formerly Invitae), Labcorp); PubMed 29572252 (cited by 3billion and Labcorp Genetics (formerly Invitae), Labcorp); PubMed 10447254 (cited by Department of Animal Biology, Molecular and Human Genetics Lab, University of Tabriz); PubMed 19894250 (cited by Department of Animal Biology, Molecular and Human Genetics Lab, University of Tabriz); PubMed 25820262 (cited by Department of Animal Biology, Molecular and Human Genetics Lab, University of Tabriz); PubMed 32557569 (cited by Labcorp Genetics (formerly Invitae), Labcorp).